The following is an entry in ClinVar:

ClinVar aggregate classification (germline): Pathogenic. Review status: criteria provided, single submitter (1 of 4 stars). 3 submissions from 3 submitters: Pathogenic (1). 2 of the submissions do not count toward it. Last evaluated 2015-07-14.

Conditions:
Congenital contractures of the limbs and face, hypotonia, and developmental delay (CLIFAHDD). Identifiers: Orphanet 562528, MedGen C4225398, MONDO:0014556, OMIM 616266.

Submissions (3):

GeneDx
Classification: Pathogenic. Last evaluated: 2015-07-14. Review status: criteria provided, single submitter. Criteria: GeneDx Variant Classification (06012015). Collection method: clinical testing. Allele origin: germline. Affected: yes.
Comment: The Y578S variant in the NALCN gene has been reported previously as a de novo variant in anindividual with CLIFAHDD syndrome (Chong et al., 2015). The Y578S substitution was not observed inapproximately 6,500 individuals of European and African American ancestry in the NHLBI ExomeSequencing Project, indicating it is not a common benign variant in these populations. The Y578S variant isa semi-conservative amino acid substitution, which occurs at a position within the S6 pore forming domainthat is conserved across species. In vitro functional studies showed that the Y578S variant acts in adominant-negative fashion, nearly abolishing the expression of wild-type NALCN (Chong et al., 2015). Weinterpret Y578S as a pathogenic variant.

University of Washington Center for Mendelian Genomics, University of Washington
Classification: Pathogenic for Congenital contractures of the limbs and face, hypotonia, and developmental delay. Last evaluated: 2015-05-19. Review status: no assertion criteria provided. Collection method: research. Allele origin: de novo. Affected: yes. Not counted in ClinVar's aggregate classification.

OMIM
Classification: Pathogenic for CONGENITAL CONTRACTURES OF THE LIMBS AND FACE, HYPOTONIA, AND DEVELOPMENTAL DELAY. Last evaluated: 2015-03-05. Review status: no assertion criteria provided. Collection method: literature only. Allele origin: germline. Not counted in ClinVar's aggregate classification.

Literature cited by the submitters: PubMed 25683120 (cited by University of Washington Center for Mendelian Genomics, University of Washington and OMIM).

NM_052867.4(NALCN):c.1733A>C (p.Tyr578Ser)

Gene: NALCN (sodium leak channel, non-selective; minus strand). Cytogenetic location: 13q33.1.
Variant type: single nucleotide variant.
Coding change: c.1733A>C on transcript NM_052867.4 (MANE Select); coding-DNA position 1733, A replaced by C.
Protein change: p.Tyr578Ser; replaces tyrosine 578 with serine.
Molecular consequence: missense variant.
Genome position (GRCh38, 1-based): chr13:101,191,948, T>G on the plus strand (A>C on the coding strand, the complement: NALCN is on the minus strand). VCF-style: chr13-101191948-T-G. GRCh37 (hg19) VCF-style: chr13-101844299-T-G.
Other names: c.1733A>C, p.Tyr578Ser (NM_001350748.2, NM_001350749.2); c.1646A>C, p.Tyr549Ser (NM_001350750.2, NM_001350751.2); short protein forms Y578S, Y549S.
Identifiers: ClinVar variation 187775 (VCV000187775.2), dbSNP rs786203988, ClinGen allele CA198516.